The following is an entry in ClinVar:

NM_000291.4(PGK1):c.99G>C (p.Gln33His)

Gene: PGK1 (phosphoglycerate kinase 1; plus strand). Cytogenetic location: Xq21.1.
Variant type: single nucleotide variant.
Coding change: c.99G>C on transcript NM_000291.4 (MANE Select); coding-DNA position 99, G replaced by C.
Protein change: p.Gln33His; replaces glutamine 33 with histidine.
Molecular consequence: missense variant.
Genome position (GRCh38, 1-based): chrX:78,109,900, G>C. VCF-style: chrX-78109900-G-C. GRCh37 (hg19) VCF-style: chrX-77365397-G-C.
Other names: short protein forms Q33H.
Identifiers: ClinVar variation 3658887 (VCV003658887.2).

ClinVar aggregate classification (germline): Uncertain significance (1 of 4 stars; one submission).

Submission:

Labcorp Genetics (formerly Invitae), Labcorp
Classification: Uncertain significance. Last evaluated: 2024-07-06. Review status: criteria provided, single submitter. Criteria: Invitae Variant Classification Sherloc (09022015). Collection method: clinical testing. Allele origin: germline.
Comment: This sequence change replaces glutamine, which is neutral and polar, with histidine, which is basic and polar, at codon 33 of the PGK1 protein (p.Gln33His). This variant is not present in population databases (gnomAD no frequency). This variant has not been reported in the literature in individuals affected with PGK1-related conditions. Advanced modeling of protein sequence and biophysical properties (such as structural, functional, and spatial information, amino acid conservation, physicochemical variation, residue mobility, and thermodynamic stability) performed at Invitae indicates that this missense variant is not expected to disrupt PGK1 protein function with a negative predictive value of 80%. In summary, the available evidence is currently insufficient to determine the role of this variant in disease. Therefore, it has been classified as a Variant of Uncertain Significance.